The following is an entry in ClinVar:

ClinVar aggregate classification (germline): Uncertain significance (1 of 4 stars; one submission).

gnomAD v4.1: 1 of 1,614,152 alleles (0.000062%); highest among the groups gnomAD compares: Non-Finnish European, 0.000085%; no homozygotes.

Submission:

GeneDx
Classification: Uncertain significance. Last evaluated: 2023-05-26. Review status: criteria provided, single submitter. Criteria: GeneDx Variant Classification Process June 2021. Collection method: clinical testing. Allele origin: germline. Affected: yes.
Comment: Has not been previously published as pathogenic or benign to our knowledge; Not observed at significant frequency in large population cohorts (gnomAD); At the protein level, in silico analysis supports that this missense variant has a deleterious effect on protein structure/function; At the mRNA level, in silico analysis suggests this variant may impact gene splicing. In the absence of RNA/functional studies, the actual effect of this sequence change is unknown.

NM_033118.4(MYLK2):c.1159G>T (p.Val387Phe)

Gene: MYLK2 (myosin light chain kinase 2; plus strand). Cytogenetic location: 20q11.21.
Variant type: single nucleotide variant.
Coding change: c.1159G>T on transcript NM_033118.4 (MANE Select); coding-DNA position 1159, G replaced by T.
Protein change: p.Val387Phe; replaces valine 387 with phenylalanine.
Molecular consequence: missense variant.
Genome position (GRCh38, 1-based): chr20:31,826,873, G>T. VCF-style: chr20-31826873-G-T. GRCh37 (hg19) VCF-style: chr20-30414676-G-T.
Other names: short protein forms V387F.
Identifiers: ClinVar variation 3361954 (VCV003361954.1).